The following is an entry in ClinVar:

NM_006567.5(FARS2):c.409A>G (p.Ser137Gly)

Genes: FARS2 (phenylalanyl-tRNA synthetase 2, mitochondrial; plus strand), LOC126859565 (CDK7 strongly-dependent group 2 enhancer GRCh37_chr6:5368745-5369944; plus strand). Cytogenetic location: 6p25.1.
Variant type: single nucleotide variant.
Coding change: c.409A>G on transcript NM_006567.5 (MANE Select); coding-DNA position 409, A replaced by G.
Protein change: p.Ser137Gly; replaces serine 137 with glycine.
Molecular consequence: missense variant. On other transcripts: intron variant (2).
Genome position (GRCh38, 1-based): chr6:5,368,979, A>G. VCF-style: chr6-5368979-A-G. GRCh37 (hg19) VCF-style: chr6-5369212-A-G.
Other names: c.409A>G (NM_006567.3); c.409A>G, p.Ser137Gly (NM_001318872.2, NM_001374875.1, NM_001374876.1 and 5 more transcripts); c.-340-27654A>G (NM_001375260.1); c.-84-35563A>G (NM_001375259.1); short protein forms S137G.
Identifiers: ClinVar variation 1461861 (VCV001461861.7), dbSNP rs903869853, ClinGen allele CA134301582.

ClinVar aggregate classification (germline): Uncertain significance. Review status: criteria provided, multiple submitters, no conflicts (2 of 4 stars). 2 submissions from 2 submitters: Uncertain significance (2). Last evaluated 2024-01-08.

Conditions:
Combined oxidative phosphorylation defect type 14. Also called: Combined oxidative phosphorylation deficiency 14. Identifiers: Orphanet 319519, MedGen C4755312, MONDO:0013986, OMIM 614946.
Inborn genetic diseases. Identifiers: MedGen C0950123, MeSH D030342.

Allele frequency attached by ClinVar (database versions not stated): gnomAD exomes below 0.00001 and 0.00001; gnomAD 0.00002.
gnomAD v4.1: 12 of 1,614,040 alleles (0.00074%); highest among the groups gnomAD compares: Admixed American, 0.0017%; no homozygotes.

Submissions (2):

Labcorp Genetics (formerly Invitae), Labcorp
Classification: Uncertain significance for Combined oxidative phosphorylation defect type 14. Last evaluated: 2024-01-08. Review status: criteria provided, single submitter. Criteria: Invitae Variant Classification Sherloc (09022015). Collection method: clinical testing. Allele origin: germline.
Comment: This sequence change replaces serine, which is neutral and polar, with glycine, which is neutral and non-polar, at codon 137 of the FARS2 protein (p.Ser137Gly). This variant is present in population databases (no rsID available, gnomAD 0.0009%). This variant has not been reported in the literature in individuals affected with FARS2-related conditions. ClinVar contains an entry for this variant (Variation ID: 1461861). Advanced modeling of protein sequence and biophysical properties (such as structural, functional, and spatial information, amino acid conservation, physicochemical variation, residue mobility, and thermodynamic stability) has been performed at Invitae for this missense variant, however the output from this modeling did not meet the statistical confidence thresholds required to predict the impact of this variant on FARS2 protein function. In summary, the available evidence is currently insufficient to determine the role of this variant in disease. Therefore, it has been classified as a Variant of Uncertain Significance.

Ambry Genetics
Classification: Uncertain significance for Inborn genetic diseases. Last evaluated: 2022-10-05. Review status: criteria provided, single submitter. Criteria: Ambry Variant Classification Scheme 2023. Collection method: clinical testing. Allele origin: germline.